The following is an entry in ClinVar:

NM_002775.5(HTRA1):c.972C>T (p.Asn324=)

Gene: HTRA1 (HtrA serine peptidase 1; plus strand). Cytogenetic location: 10q26.13.
Variant type: single nucleotide variant.
Coding change: c.972C>T on transcript NM_002775.5 (MANE Select); coding-DNA position 972, C replaced by T.
Protein change: p.Asn324=; no amino-acid change (asparagine 324 retained).
Molecular consequence: synonymous variant.
Genome position (GRCh38, 1-based): chr10:122,506,885, C>T. VCF-style: chr10-122506885-C-T. GRCh37 (hg19) VCF-style: chr10-124266401-C-T.
Identifiers: ClinVar variation 1465887 (VCV001465887.8), dbSNP rs769293512, ClinGen allele CA5725979.

ClinVar aggregate classification (germline): Uncertain significance (1 of 4 stars; one submission).

Allele frequency attached by ClinVar (database versions not stated): ExAC 0.00001; gnomAD 0.00001; gnomAD exomes 0.00001; TOPMed 0.00002.

Submission:

Labcorp Genetics (formerly Invitae), Labcorp
Classification: Uncertain significance. Last evaluated: 2024-11-05. Review status: criteria provided, single submitter. Criteria: Invitae Variant Classification Sherloc (09022015). Collection method: clinical testing. Allele origin: germline.
Comment: This sequence change affects codon 324 of the HTRA1 mRNA. It is a 'silent' change, meaning that it does not change the encoded amino acid sequence of the HTRA1 protein. It affects a nucleotide within the consensus splice site. This variant is present in population databases (rs769293512, gnomAD 0.002%). This variant has not been reported in the literature in individuals affected with HTRA1-related conditions. ClinVar contains an entry for this variant (Variation ID: 1465887). Algorithms developed to predict the effect of sequence changes on RNA splicing suggest that this variant is not likely to affect RNA splicing. In summary, the available evidence is currently insufficient to determine the role of this variant in disease. Therefore, it has been classified as a Variant of Uncertain Significance.